The following is an entry in ClinVar:

ClinVar aggregate classification (germline): Likely pathogenic (1 of 4 stars; one submission).

Conditions:
Noonan syndrome 10 (NS10). Identifiers: Orphanet 648, MedGen C4225280, MONDO:0014693, OMIM 616564.

Submission:

New York Genome Center
Classification: Likely pathogenic for Noonan syndrome 10. Last evaluated: 2023-08-03. Review status: criteria provided, single submitter. Criteria: NYGC Assertion Criteria 2020. Collection method: clinical testing. Allele origin: de novo. Affected: yes. Observed: 1 variant allele, 1 heterozygote.
Comment: The de novo c.437T>C, p.(Leu146Ser) variant identified in the LZTR1 gene is a missense variant that replaces a highly conserved Leucine with Serine atamino acid 146/841 (exon 5/21). This variant is within the Kelch repeat domain of LZTR1 (Kelch 2; UniProtKB:Q8N653) where pathogenic variants associated with autosomal dominant Noonan syndrome are frequently reported [PMID:30481304, 30859559, 35840934]. This variant is absent from population databases (gnomADv2.1.1, gnomADv3.1.2, BRAVO-TOPMed, All of Us) suggesting it is not a common benign variant in the populations represented in those databases. While this variant is absent from ClinVar, a different amino acid change at the same amino acid, p.(Leu146Met) has been reported there as Likely Pathogenic by a clinical lab who asserts that it was identified de novo in an affected individual (VarID:546580). While the c.437T>C, p.(Leu146Ser) variant identified here has not been reported in affected individuals in the literature, it has been identified as a single heterozygous LZTR1 variant in an individual with suspected Noonan syndrome (personalcommunication). Additionally, a variant at the adjacent amino acid, p.(Asn145Ile) has been reported in individuals with Noonan syndrome [PMID:30859559]. Given its presence de novo, absence in population databases, presence in the Kelch domain of LZTR1 and presence of pathogenic variants at the same and adjacent amino acids, the de novo c.437T>C, p.(Leu146Ser) variant identified in the LZTR1 gene is reported as Likely Pathogenic.

NM_006767.4(LZTR1):c.437T>C (p.Leu146Ser)

Gene: LZTR1 (leucine zipper like post translational regulator 1; plus strand). Cytogenetic location: 22q11.21.
Variant type: single nucleotide variant.
Coding change: c.437T>C on transcript NM_006767.4 (MANE Select); coding-DNA position 437, T replaced by C.
Protein change: p.Leu146Ser; replaces leucine 146 with serine.
Molecular consequence: missense variant.
Genome position (GRCh38, 1-based): chr22:20,988,046, T>C. VCF-style: chr22-20988046-T-C. GRCh37 (hg19) VCF-style: chr22-21342335-T-C.
Other names: short protein forms L146S.
Identifiers: ClinVar variation 4888347 (VCV004888347.1).